The following is an entry in ClinVar:

NM_006946.4(SPTBN2):c.2459C>T (p.Thr820Met)

Gene: SPTBN2 (spectrin beta, non-erythrocytic 2; minus strand). Cytogenetic location: 11q13.2.
Variant type: single nucleotide variant.
Coding change: c.2459C>T on transcript NM_006946.4 (MANE Select); coding-DNA position 2459, C replaced by T.
Protein change: p.Thr820Met; replaces threonine 820 with methionine.
Molecular consequence: missense variant.
Genome position (GRCh38, 1-based): chr11:66,704,817, G>A on the plus strand (C>T on the coding strand, the complement: SPTBN2 is on the minus strand). VCF-style: chr11-66704817-G-A. GRCh37 (hg19) VCF-style: chr11-66472288-G-A.
Other names: c.2459C>T (NM_006946.2); short protein forms T820M.
Identifiers: ClinVar variation 1672038 (VCV001672038.11), dbSNP rs548188891, ClinGen allele CA6129117.

ClinVar aggregate classification (germline): Benign/Likely benign. Review status: criteria provided, multiple submitters, no conflicts (2 of 4 stars). 3 submissions from 3 submitters: Benign (1); Likely benign (1). 1 of the submissions does not count toward it. Last evaluated 2024-12-30.

Conditions:
SPTBN2-related disorder. Also called: SPTBN2-related condition.

Allele frequency attached by ClinVar (database versions not stated): TOPMed 0.00010; gnomAD 0.00011 and 0.00015; gnomAD exomes 0.00023; ExAC 0.00025.
gnomAD v4.1: 227 of 1,606,392 alleles (0.014%); highest among the groups gnomAD compares: East Asian, 0.23%; no homozygotes.

Submissions (3):

Athena Diagnostics
Classification: Benign. Last evaluated: 2024-12-30. Review status: criteria provided, single submitter. Criteria: Athena Diagnostics Criteria. Collection method: clinical testing. Allele origin: unknown.
Comment: The frequency of this variant in the general population is higher than would generally be expected for pathogenic variants in this gene.

Labcorp Genetics (formerly Invitae), Labcorp
Classification: Likely benign. Last evaluated: 2024-07-06. Review status: criteria provided, single submitter. Criteria: Invitae Variant Classification Sherloc (09022015). Collection method: clinical testing. Allele origin: germline.

PreventionGenetics, part of Exact Sciences
Classification: Likely benign for SPTBN2-related condition. Last evaluated: 2022-04-05. Review status: no assertion criteria provided. Collection method: clinical testing. Allele origin: germline. Not counted in ClinVar's aggregate classification.
Comment: This variant is classified as likely benign based on ACMG/AMP sequence variant interpretation guidelines (Richards et al. 2015 PMID: 25741868, with internal and published modifications).

Literature cited by the submitters: PubMed 38701145 (cited by Athena Diagnostics); PubMed 33797620 (cited by Athena Diagnostics); PubMed 31617442 (cited by Athena Diagnostics); PubMed 25133958 (cited by Athena Diagnostics); PubMed 29196973 (cited by Athena Diagnostics).